The following is an entry in ClinVar:

NM_004304.5(ALK):c.4202A>G (p.Tyr1401Cys)

Gene: ALK (ALK receptor tyrosine kinase; minus strand). Cytogenetic location: 2p23.2.
Variant type: single nucleotide variant.
Coding change: c.4202A>G on transcript NM_004304.5 (MANE Select); coding-DNA position 4202, A replaced by G.
Protein change: p.Tyr1401Cys; replaces tyrosine 1401 with cysteine.
Molecular consequence: missense variant.
Genome position (GRCh38, 1-based): chr2:29,193,885, T>C on the plus strand (A>G on the coding strand, the complement: ALK is on the minus strand). VCF-style: chr2-29193885-T-C. GRCh37 (hg19) VCF-style: chr2-29416751-T-C.
Other names: c.998A>G, p.Tyr333Cys (NM_001353765.2); short protein forms Y1401C, Y333C.
Identifiers: ClinVar variation 4870390 (VCV004870390.1).

ClinVar aggregate classification (germline): Uncertain significance (1 of 4 stars; one submission).

Conditions:
Hereditary cancer-predisposing syndrome. Also called: Neoplastic Syndromes, Hereditary; Tumor predisposition; Hereditary Cancer Syndrome; Hereditary neoplastic syndrome. Identifiers: Orphanet 140162, MedGen C0027672, MeSH D009386, MONDO:0015356.

Submission:

Ambry Genetics
Classification: Uncertain significance for Hereditary cancer-predisposing syndrome. Last evaluated: 2026-05-21. Review status: criteria provided, single submitter. Criteria: Ambry Variant Classification Scheme 2023. Collection method: clinical testing. Allele origin: germline.
Comment: The p.Y1401C variant (also known as c.4202A>G), located in coding exon 29 of the ALK gene, results from an A to G substitution at nucleotide position 4202. The tyrosine at codon 1401 is replaced by cysteine, an amino acid with highly dissimilar properties. This amino acid position is conserved. In addition, the in silico prediction for this alteration is inconclusive. Based on the available evidence, the clinical significance of this variant remains unclear.